The following is an entry in ClinVar:

NM_033305.3(VPS13A):c.7690dup (p.Ala2564fs)

Gene: VPS13A (vacuolar protein sorting 13 homolog A; plus strand). Cytogenetic location: 9q21.2.
Variant type: Duplication.
Coding change: c.7690dup on transcript NM_033305.3 (MANE Select); coding-DNA position 7690, one base duplicated (G; older notation c.7690dupG).
Protein change: p.Ala2564fs; shifts the reading frame from alanine 2564.
Molecular consequence: frameshift variant.
Genome position (GRCh38, 1-based): chr9:77,356,751, G duplicated; the last of 2 consecutive G bases (chr9:77,356,750-77,356,751); duplicating either gives the same sequence. VCF-style (leftmost placement, unchanged base first): chr9-77356749-A-AG. GRCh37 (hg19) VCF-style: chr9-79971665-A-AG.
Other names: c.7573dup, p.Ala2525fs (NM_001018037.2); c.7690dup, p.Ala2564fs (NM_001018038.3, NM_015186.4); short protein forms A2525fs, A2564fs.
Identifiers: ClinVar variation 5011504 (VCV005011504.1).

ClinVar aggregate classification (germline): Pathogenic (1 of 4 stars; one submission).

Conditions:
VPS13A-related neurodegenerative disease. Also called: ACANTHOCYTOSIS WITH NEUROLOGIC DISORDER; LEVINE-CRITCHLEY SYNDROME; Choreoacanthocytosis; Chorea-acanthocytosis; Choreaacanthocytosis; VPS13A Disease. Identifiers: Orphanet 2388, MedGen C0393576, MONDO:0008695, OMIM 200150.

Submission:

Myriad Genetics, Inc.
Classification: Pathogenic for VPS13A-related neurodegenerative disease. Last evaluated: 2023-08-31. Review status: criteria provided, single submitter. Criteria: Myriad Autosomal Dominant, Autosomal Recessive and X-Linked Classification Criteria (2023). Collection method: clinical testing. Allele origin: unknown.
Comment: NM_033305.2(VPS13A):c.7690dupG(A2564Gfs*12) is expected to be pathogenic in the context of VPS13A disease. This variant is predicted to lead to an abnormal or absent protein product due to the creation of a premature termination codon in VPS13A, a gene where loss-of-function variants are known to be pathogenic. Please note: this variant was assessed in the context of healthy population screening.